The following is an entry in ClinVar:

NM_004006.3(DMD):c.10969G>A (p.Glu3657Lys)

Gene: DMD (dystrophin; minus strand). Cytogenetic location: Xp21.2.
Variant type: single nucleotide variant.
Coding change: c.10969G>A on transcript NM_004006.3 (MANE Select); coding-DNA position 10969, G replaced by A.
Protein change: p.Glu3657Lys; replaces glutamic acid 3657 with lysine.
Molecular consequence: missense variant.
Genome position (GRCh38, 1-based): chrX:31,134,147, C>T on the plus strand (G>A on the coding strand, the complement: DMD is on the minus strand). VCF-style: chrX-31134147-C-T. GRCh37 (hg19) VCF-style: chrX-31152264-C-T.
Other names: c.10945G>A, p.Glu3649Lys (NM_000109.4); c.10957G>A, p.Glu3653Lys (NM_004009.3); c.10600G>A, p.Glu3534Lys (NM_004010.3); c.6946G>A, p.Glu2316Lys (NM_004011.4); c.6937G>A, p.Glu2313Lys (NM_004012.4); c.3589G>A, p.Glu1197Lys (NM_004013.3, NM_004021.3); c.2782G>A, p.Glu928Lys (NM_004014.3); c.1765G>A, p.Glu589Lys (NM_004015.3, NM_004016.3); and 3 more; short protein forms E1087K, E1184K, E1197K, E2313K, E2316K, E3534K, E3649K, E3653K.
Identifiers: ClinVar variation 1053056 (VCV001053056.10), dbSNP rs2147774607, ClinGen allele CA412648165.

ClinVar aggregate classification (germline): Uncertain significance. Review status: criteria provided, single submitter (1 of 4 stars). 2 submissions from 2 submitters: Uncertain significance (1). 1 of the submissions does not count toward it. Last evaluated 2025-01-29.

Conditions:
Cardiomyopathy (CMYO). Also called: Cardiomyopathies. Identifiers: Orphanet 167848, MedGen C0878544, MONDO:0004994, HP:0001638. Inheritance: Various modes of inheritance.
Dystrophin deficiency.
Duchenne muscular dystrophy (DMD). Also called: MUSCULAR DYSTROPHY, PSEUDOHYPERTROPHIC PROGRESSIVE, DUCHENNE TYPE; Duchenne Muscular Dystrophy (DMD). Identifiers: Orphanet 98896, MedGen C0013264, MONDO:0010679, OMIM 310200.
Becker muscular dystrophy (BMD). Also called: Becker Muscular Dystrophy (BMD); MUSCULAR DYSTROPHY, PSEUDOHYPERTROPHIC PROGRESSIVE, BECKER TYPE. Identifiers: Orphanet 98895, MedGen C0917713, MONDO:0010311, OMIM 300376.

gnomAD v4.1: 2 of 1,211,637 alleles (0.00017%); highest among the groups gnomAD compares: Non-Finnish European, 0.00022%; no homozygotes.

Submissions (2):

Labcorp Genetics (formerly Invitae), Labcorp
Classification: Uncertain significance for Duchenne muscular dystrophy. Last evaluated: 2025-01-29. Review status: criteria provided, single submitter. Criteria: Invitae Variant Classification Sherloc (09022015). Collection method: clinical testing. Allele origin: germline.
Comment: This sequence change replaces glutamic acid, which is acidic and polar, with lysine, which is basic and polar, at codon 3657 of the DMD protein (p.Glu3657Lys). This variant is not present in population databases (gnomAD no frequency). This variant has not been reported in the literature in individuals affected with DMD-related conditions. ClinVar contains an entry for this variant (Variation ID: 1053056). Invitae Evidence Modeling of protein sequence and biophysical properties (such as structural, functional, and spatial information, amino acid conservation, physicochemical variation, residue mobility, and thermodynamic stability) indicates that this missense variant is not expected to disrupt DMD protein function with a negative predictive value of 95%. In summary, the available evidence is currently insufficient to determine the role of this variant in disease. Therefore, it has been classified as a Variant of Uncertain Significance.

Natera, Inc.
Classification: Uncertain significance for Becker muscular dystrophy; Cardiomyopathy; Duchenne muscular dystrophy; Dystrophin deficiency. Last evaluated: 2019-02-28. Review status: no assertion criteria provided. Collection method: clinical testing. Allele origin: germline. Not counted in ClinVar's aggregate classification.